The following is an entry in ClinVar:

NM_007194.4(CHEK2):c.370T>C (p.Cys124Arg)

Gene: CHEK2 (checkpoint kinase 2; minus strand). Cytogenetic location: 22q12.1.
Variant type: single nucleotide variant.
Coding change: c.370T>C on transcript NM_007194.4 (MANE Select); coding-DNA position 370, T replaced by C.
Protein change: p.Cys124Arg; replaces cysteine 124 with arginine.
Molecular consequence: missense variant.
Genome position (GRCh38, 1-based): chr22:28,725,317, A>G on the plus strand (T>C on the coding strand, the complement: CHEK2 is on the minus strand). VCF-style: chr22-28725317-A-G. GRCh37 (hg19) VCF-style: chr22-29121305-A-G.
Other names: c.499T>C, p.Cys167Arg (NM_001005735.3); c.-408T>C (NM_001257387.3); c.370T>C, p.Cys124Arg (NM_001349956.3, NM_145862.3); short protein forms C167R, C124R.
Identifiers: ClinVar variation 936362 (VCV000936362.10), dbSNP rs2053962902, ClinGen allele CA411108117.

ClinVar aggregate classification (germline): Uncertain significance (1 of 4 stars; one submission).

Conditions:
Familial cancer of breast. Also called: BREAST CANCER, FAMILIAL; Hereditary breast cancer; hereditary breast carcinoma. Identifiers: Orphanet 227535, MedGen C0346153, MONDO:0016419, OMIM 114480. Disease mechanism: loss of function.

Submission:

Labcorp Genetics (formerly Invitae), Labcorp
Classification: Uncertain significance for Familial cancer of breast. Last evaluated: 2021-12-15. Review status: criteria provided, single submitter. Criteria: Invitae Variant Classification Sherloc (09022015). Collection method: clinical testing. Allele origin: germline.
Comment: This variant is not present in population databases (gnomAD no frequency). In summary, the available evidence is currently insufficient to determine the role of this variant in disease. Therefore, it has been classified as a Variant of Uncertain Significance. Algorithms developed to predict the effect of missense changes on protein structure and function are either unavailable or do not agree on the potential impact of this missense change (SIFT: "Deleterious"; PolyPhen-2: "Benign"; Align-GVGD: "Class C0"). ClinVar contains an entry for this variant (Variation ID: 936362). This variant has not been reported in the literature in individuals affected with CHEK2-related conditions. This sequence change replaces cysteine, which is neutral and slightly polar, with arginine, which is basic and polar, at codon 124 of the CHEK2 protein (p.Cys124Arg).